The following is an entry in ClinVar:

ClinVar aggregate classification (germline): Uncertain significance (1 of 4 stars; one submission).

Submission:

Women's Health and Genetics/Laboratory Corporation of America, LabCorp
Classification: Uncertain significance. Last evaluated: 2019-03-12. Review status: criteria provided, single submitter. Criteria: LabCorp Variant Classification Summary - May 2015. Collection method: clinical testing. Allele origin: germline.
Comment: Variant summary: KCNH2 c.499C>G (p.Leu167Val) results in a conservative amino acid change in the encoded protein sequence. Four of five in-silico tools predict a benign effect of the variant on protein function. The variant was absent in 108398 control chromosomes (gnomAD). The available data on variant occurrences in the general population are insufficient to allow any conclusion about variant significance. To our knowledge, no occurrence of c.499C>G in individuals affected with Arrhythmia and no experimental evidence demonstrating its impact on protein function have been reported. No clinical diagnostic laboratories have submitted clinical-significance assessments for this variant to ClinVar after 2014. Based on the evidence outlined above, the variant was classified as uncertain significance.

NM_000238.4(KCNH2):c.499C>G (p.Leu167Val)

Gene: KCNH2 (potassium voltage-gated channel subfamily H member 2; minus strand). Cytogenetic location: 7q36.1.
Variant type: single nucleotide variant.
Coding change: c.499C>G on transcript NM_000238.4 (MANE Select); coding-DNA position 499, C replaced by G.
Protein change: p.Leu167Val; replaces leucine 167 with valine.
Molecular consequence: missense variant.
Genome position (GRCh38, 1-based): chr7:150,958,476, G>C on the plus strand (C>G on the coding strand, the complement: KCNH2 is on the minus strand). VCF-style: chr7-150958476-G-C. GRCh37 (hg19) VCF-style: chr7-150655564-G-C.
Other names: c.211C>G, p.Leu71Val (NM_001406753.1, NM_001406756.1); c.322C>G, p.Leu108Val (NM_001406755.1); c.199C>G, p.Leu67Val (NM_001406757.1); c.499C>G, p.Leu167Val (NM_172056.3); short protein forms L167V, L71V, L108V, L67V.
Identifiers: ClinVar variation 929250 (VCV000929250.3), dbSNP rs1801462947, ClinGen allele CA369863522.